The following is an entry in ClinVar:

NM_002693.3(POLG):c.2179G>T (p.Asp727Tyr)

Gene: POLG (DNA polymerase gamma, catalytic subunit; minus strand). Cytogenetic location: 15q26.1.
Variant type: single nucleotide variant.
Coding change: c.2179G>T on transcript NM_002693.3 (MANE Select); coding-DNA position 2179, G replaced by T.
Protein change: p.Asp727Tyr; replaces aspartic acid 727 with tyrosine.
Molecular consequence: missense variant.
Genome position (GRCh38, 1-based): chr15:89,323,490, C>A on the plus strand (G>T on the coding strand, the complement: POLG is on the minus strand). VCF-style: chr15-89323490-C-A. GRCh37 (hg19) VCF-style: chr15-89866721-C-A.
Other names: c.2179G>T, p.Asp727Tyr (NM_001126131.2); short protein forms D727Y.
Identifiers: ClinVar variation 1471516 (VCV001471516.8), dbSNP rs2152062930, ClinGen allele CA393756881.

ClinVar aggregate classification (germline): Uncertain significance (1 of 4 stars; one submission).

Conditions:
Progressive sclerosing poliodystrophy (MTDPS4A). Also called: Mitochondrial DNA depletion syndrome 4A (Alpers type); ALPERS PROGRESSIVE INFANTILE POLIODYSTROPHY; NEURONAL DEGENERATION OF CHILDHOOD WITH LIVER DISEASE, PROGRESSIVE; Mitochondrial DNA Depletion Syndrome 4A; Alpers-Huttenlocher Syndrome (AHS); Alpers Syndrome. Identifiers: Orphanet 726, MedGen C0205710, MONDO:0008758, OMIM 203700.

Submission:

Labcorp Genetics (formerly Invitae), Labcorp
Classification: Uncertain significance for Progressive sclerosing poliodystrophy. Last evaluated: 2020-12-08. Review status: criteria provided, single submitter. Criteria: Invitae Variant Classification Sherloc (09022015). Collection method: clinical testing. Allele origin: germline.
Comment: In summary, the available evidence is currently insufficient to determine the role of this variant in disease. Therefore, it has been classified as a Variant of Uncertain Significance. Algorithms developed to predict the effect of missense changes on protein structure and function are either unavailable or do not agree on the potential impact of this missense change (SIFT: "Deleterious"; PolyPhen-2: "Benign"; Align-GVGD: "Class C0"). This variant has not been reported in the literature in individuals with POLG-related conditions. This variant is not present in population databases (ExAC no frequency). This sequence change replaces aspartic acid with tyrosine at codon 727 of the POLG protein (p.Asp727Tyr). The aspartic acid residue is weakly conserved and there is a large physicochemical difference between aspartic acid and tyrosine.